The following is an entry in ClinVar:

ClinVar aggregate classification (germline): Pathogenic (1 of 4 stars; one submission).

Allele frequency attached by ClinVar (database versions not stated): gnomAD exomes below 0.00001.
gnomAD v4.1: 2 of 1,533,944 alleles (0.00013%); highest among the groups gnomAD compares: South Asian, 0.0012%; no homozygotes.

Submission:

Labcorp Genetics (formerly Invitae), Labcorp
Classification: Pathogenic. Last evaluated: 2022-08-31. Review status: criteria provided, single submitter. Criteria: Invitae Variant Classification Sherloc (09022015). Collection method: clinical testing. Allele origin: germline.
Comment: For these reasons, this variant has been classified as Pathogenic. ClinVar contains an entry for this variant (Variation ID: 1460392). This variant has not been reported in the literature in individuals affected with MTFMT-related conditions. This variant is not present in population databases (gnomAD no frequency). This sequence change creates a premature translational stop signal (p.Trp48*) in the MTFMT gene. It is expected to result in an absent or disrupted protein product. Loss-of-function variants in MTFMT are known to be pathogenic (PMID: 21907147, 24461907).

Literature cited by the submitters: PubMed 21907147; PubMed 24461907.

NM_139242.4(MTFMT):c.144G>A (p.Trp48Ter)

Gene: MTFMT (mitochondrial methionyl-tRNA formyltransferase; minus strand). Cytogenetic location: 15q22.31.
Variant type: single nucleotide variant.
Coding change: c.144G>A on transcript NM_139242.4 (MANE Select); coding-DNA position 144, G replaced by A.
Protein change: p.Trp48Ter; replaces tryptophan 48 with a stop codon.
Molecular consequence: nonsense.
Genome position (GRCh38, 1-based): chr15:65,029,470, C>T on the plus strand (G>A on the coding strand, the complement: MTFMT is on the minus strand). VCF-style: chr15-65029470-C-T. GRCh37 (hg19) VCF-style: chr15-65321808-C-T.
Other names: short protein forms W48*.
Identifiers: ClinVar variation 1460392 (VCV001460392.6), dbSNP rs1287504676, ClinGen allele CA392862487.